The following is an entry in ClinVar:

NM_018127.7(ELAC2):c.1283G>A (p.Arg428His)

Gene: ELAC2 (elaC ribonuclease Z 2; minus strand). Cytogenetic location: 17p12.
Variant type: single nucleotide variant.
Coding change: c.1283G>A on transcript NM_018127.7 (MANE Select); coding-DNA position 1283, G replaced by A.
Protein change: p.Arg428His; replaces arginine 428 with histidine.
Molecular consequence: missense variant.
Genome position (GRCh38, 1-based): chr17:13,002,295, C>T on the plus strand (G>A on the coding strand, the complement: ELAC2 is on the minus strand). VCF-style: chr17-13002295-C-T. GRCh37 (hg19) VCF-style: chr17-12905612-C-T.
Other names: c.1163G>A, p.Arg388His (NM_001165962.2); c.1280G>A, p.Arg427His (NM_173717.2); c.1283G>A (NM_018127.6); short protein forms R427H, R428H, R388H.
Identifiers: ClinVar variation 1521748 (VCV001521748.4), dbSNP rs376713626, ClinGen allele CA8401283.

ClinVar aggregate classification (germline): Uncertain significance. Review status: criteria provided, multiple submitters, no conflicts (2 of 4 stars). 2 submissions from 2 submitters: Uncertain significance (2). Last evaluated 2023-12-28.

Conditions:
Combined oxidative phosphorylation defect type 17. Also called: Combined oxidative phosphorylation deficiency 17. Identifiers: Orphanet 369913, MedGen C3809526, MONDO:0014190, OMIM 615440.

Allele frequency attached by ClinVar (database versions not stated): gnomAD exomes 0.00005; ExAC 0.00007; gnomAD 0.00013 and 0.00014; TOPMed 0.00014; ESP Exome Variant Server 0.00023.
gnomAD v4.1: 47 of 1,614,024 alleles (0.0029%); highest among the groups gnomAD compares: African/African-American, 0.04%; no homozygotes.

Submissions (2):

GeneDx
Classification: Uncertain significance. Last evaluated: 2023-12-28. Review status: criteria provided, single submitter. Criteria: GeneDx Variant Classification Process June 2021. Collection method: clinical testing. Allele origin: germline. Affected: yes.
Comment: In silico analysis supports that this missense variant has a deleterious effect on protein structure/function; Has not been previously published as pathogenic or benign to our knowledge

Labcorp Genetics (formerly Invitae), Labcorp
Classification: Uncertain significance for Combined oxidative phosphorylation defect type 17. Last evaluated: 2022-10-31. Review status: criteria provided, single submitter. Criteria: Invitae Variant Classification Sherloc (09022015). Collection method: clinical testing. Allele origin: germline.
Comment: This sequence change replaces arginine, which is basic and polar, with histidine, which is basic and polar, at codon 428 of the ELAC2 protein (p.Arg428His). This variant is present in population databases (rs376713626, gnomAD 0.04%). This variant has not been reported in the literature in individuals affected with ELAC2-related conditions. ClinVar contains an entry for this variant (Variation ID: 1521748). Advanced modeling of protein sequence and biophysical properties (such as structural, functional, and spatial information, amino acid conservation, physicochemical variation, residue mobility, and thermodynamic stability) performed at Invitae indicates that this missense variant is expected to disrupt ELAC2 protein function. In summary, the available evidence is currently insufficient to determine the role of this variant in disease. Therefore, it has been classified as a Variant of Uncertain Significance.